The following is an entry in ClinVar:

NM_001079.4(ZAP70):c.1623+5G>A

Gene: ZAP70 (zeta chain of T cell receptor associated protein kinase 70; plus strand). Cytogenetic location: 2q11.2.
Variant type: single nucleotide variant.
Coding change: c.1623+5G>A on transcript NM_001079.4 (MANE Select); 5 bases into the intron after coding-DNA position 1623, G replaced by A.
Molecular consequence: intron variant.
Genome position (GRCh38, 1-based): chr2:97,737,902, G>A. VCF-style: chr2-97737902-G-A. GRCh37 (hg19) VCF-style: chr2-98354365-G-A.
Other names: c.1623+5G>A (NM_001378594.1); c.702+5G>A (NM_207519.2).
Identifiers: ClinVar variation 1000820 (VCV001000820.6), dbSNP rs200059309, ClinGen allele CA52564624.
Genomic context (GRCh38, chr2:97,737,902, plus strand): 5'-GGAGCTATGGGGTCACCATGTGGGAGGCCTTGTCCTACGGCCAGAAGCCCTACAAGGCAG[G>A]CGCGGGCAGAGGCAGGTGGGCGGTGTGGTGGGGAGGGGGATGAGGAGGAGGACACTGGTC-3'

ClinVar aggregate classification (germline): Uncertain significance (1 of 4 stars; one submission).

Conditions:
Combined immunodeficiency due to ZAP70 deficiency (IMD48). Also called: Immunodeficiency 48; ZAP70 Deficiency. Identifiers: Orphanet 911, MedGen C2931299, MONDO:0010023, OMIM 269840.

Allele frequency attached by ClinVar (database versions not stated): gnomAD exomes below 0.00001; TOPMed 0.00001; gnomAD 0.00001; ESP Exome Variant Server 0.00008.
gnomAD v4.1: 2 of 1,614,032 alleles (0.00012%); highest among the groups gnomAD compares: Non-Finnish European, 0.00017%; no homozygotes.

Submission:

Labcorp Genetics (formerly Invitae), Labcorp
Classification: Uncertain significance for Combined immunodeficiency due to ZAP70 deficiency. Last evaluated: 2022-05-17. Review status: criteria provided, single submitter. Criteria: Invitae Variant Classification Sherloc (09022015). Collection method: clinical testing. Allele origin: germline.
Comment: This sequence change falls in intron 12 of the ZAP70 gene. It does not directly change the encoded amino acid sequence of the ZAP70 protein. It affects a nucleotide within the consensus splice site. This variant is not present in population databases (gnomAD no frequency). This variant has been observed in individual(s) with clinical features of ZAP70-related¬†conditions (Invitae). ClinVar contains an entry for this variant (Variation ID: 1000820). Variants that disrupt the consensus splice site are a relatively common cause of aberrant splicing (PMID: 17576681, 9536098). Algorithms developed to predict the effect of sequence changes on RNA splicing suggest that this variant may disrupt the consensus splice site. In summary, the available evidence is currently insufficient to determine the role of this variant in disease. Therefore, it has been classified as a Variant of Uncertain Significance.

Literature cited by the submitters: PubMed 17576681; PubMed 9536098.